The following is an entry in ClinVar:

ClinVar aggregate classification (germline): Uncertain significance (1 of 4 stars; one submission).

gnomAD v4.1: 1 of 1,614,120 alleles (0.000062%); no homozygotes.

Submission:

Labcorp Genetics (formerly Invitae), Labcorp
Classification: Uncertain significance. Last evaluated: 2024-02-13. Review status: criteria provided, single submitter. Criteria: Invitae Variant Classification Sherloc (09022015). Collection method: clinical testing. Allele origin: germline.
Comment: This sequence change replaces aspartic acid, which is acidic and polar, with glutamic acid, which is acidic and polar, at codon 705 of the ANKZF1 protein (p.Asp705Glu). This variant is not present in population databases (gnomAD no frequency). This variant has not been reported in the literature in individuals affected with ANKZF1-related conditions. An algorithm developed to predict the effect of missense changes on protein structure and function (PolyPhen-2) suggests that this variant is likely to be tolerated. In summary, the available evidence is currently insufficient to determine the role of this variant in disease. Therefore, it has been classified as a Variant of Uncertain Significance.

NM_018089.3(ANKZF1):c.2115C>G (p.Asp705Glu)

Gene: ANKZF1 (ankyrin repeat and zinc finger peptidyl tRNA hydrolase 1; plus strand). Cytogenetic location: 2q35.
Variant type: single nucleotide variant.
Coding change: c.2115C>G on transcript NM_018089.3 (MANE Select); coding-DNA position 2115, C replaced by G.
Protein change: p.Asp705Glu; replaces aspartic acid 705 with glutamic acid.
Molecular consequence: missense variant.
Genome position (GRCh38, 1-based): chr2:219,236,379, C>G. VCF-style: chr2-219236379-C-G. GRCh37 (hg19) VCF-style: chr2-220101101-C-G.
Other names: c.2115C>G, p.Asp705Glu (NM_001042410.2); c.1485C>G, p.Asp495Glu (NM_001282792.2); short protein forms D495E, D705E.
Identifiers: ClinVar variation 3640404 (VCV003640404.2).